The following is an entry in ClinVar:

ClinVar aggregate classification (germline): Likely benign. Review status: criteria provided, multiple submitters, no conflicts (2 of 4 stars). 2 submissions from 2 submitters: Likely benign (2). Last evaluated 2025-04-15.

Conditions:
Charcot-Marie-Tooth disease dominant intermediate B (CMTDIB). Also called: Charcot-Marie-Tooth disease dominant intermediate 1; CMT DI1; Charcot-Marie-Tooth disease dominant intermediate I; CHARCOT-MARIE-TOOTH NEUROPATHY, DOMINANT INTERMEDIATE B. Identifiers: Orphanet 100044, Orphanet 228179, MedGen C1847902, MONDO:0011674, OMIM 606482.

Allele frequency attached by ClinVar (database versions not stated): gnomAD 0.00001; gnomAD exomes 0.00001 and 0.00002; ExAC 0.00002; TOPMed 0.00003.

Submissions (2):

Mayo Clinic Laboratories, Mayo Clinic
Classification: Likely benign. Last evaluated: 2025-04-15. Review status: criteria provided, single submitter. Criteria: ACMG Guidelines, 2015. Collection method: clinical testing. Allele origin: germline. Observed: 1 variant allele.
Comment: BP4, BP7

Labcorp Genetics (formerly Invitae), Labcorp
Classification: Likely benign for Charcot-Marie-Tooth disease dominant intermediate B. Last evaluated: 2024-09-03. Review status: criteria provided, single submitter. Criteria: Invitae Variant Classification Sherloc (09022015). Collection method: clinical testing. Allele origin: germline.

NM_001005361.3(DNM2):c.267A>G (p.Lys89=)

Gene: DNM2 (dynamin 2; plus strand). Cytogenetic location: 19p13.2.
Variant type: single nucleotide variant.
Coding change: c.267A>G on transcript NM_001005361.3 (MANE Select); coding-DNA position 267, A replaced by G.
Protein change: p.Lys89=; no amino-acid change (lysine 89 retained).
Molecular consequence: synonymous variant.
Genome position (GRCh38, 1-based): chr19:10,772,510, A>G. VCF-style: chr19-10772510-A-G. GRCh37 (hg19) VCF-style: chr19-10883186-A-G.
Other names: p.Lys89=; c.267A>G, p.Lys89= (NM_001005360.3, NM_001005362.3, NM_001190716.2 and 1 more transcripts); c.267A>G (NM_001005360.2).
Identifiers: ClinVar variation 1144271 (VCV001144271.10), dbSNP rs748666756, ClinGen allele CA9200749.